The following is an entry in ClinVar:

ClinVar aggregate classification (germline): Uncertain significance (1 of 4 stars; one submission).

gnomAD v4.1: 4 of 1,614,220 alleles (0.00025%); highest among the groups gnomAD compares: Admixed American, 0.0067%; no homozygotes.

Submission:

Labcorp Genetics (formerly Invitae), Labcorp
Classification: Uncertain significance. Last evaluated: 2025-02-15. Review status: criteria provided, single submitter. Criteria: Invitae Variant Classification Sherloc (09022015). Collection method: clinical testing. Allele origin: germline.
Comment: This sequence change replaces lysine, which is basic and polar, with glutamic acid, which is acidic and polar, at codon 329 of the ALPK1 protein (p.Lys329Glu). This variant is present in population databases (rs747601253, gnomAD 0.009%). This variant has not been reported in the literature in individuals affected with ALPK1-related conditions. Invitae Evidence Modeling of protein sequence and biophysical properties (such as structural, functional, and spatial information, amino acid conservation, physicochemical variation, residue mobility, and thermodynamic stability) indicates that this missense variant is expected to disrupt ALPK1 protein function with a positive predictive value of 80%. In summary, the available evidence is currently insufficient to determine the role of this variant in disease. Therefore, it has been classified as a Variant of Uncertain Significance.

NM_025144.4(ALPK1):c.985A>G (p.Lys329Glu)

Gene: ALPK1 (alpha kinase 1; plus strand). Cytogenetic location: 4q25.
Variant type: single nucleotide variant.
Coding change: c.985A>G on transcript NM_025144.4 (MANE Select); coding-DNA position 985, A replaced by G.
Protein change: p.Lys329Glu; replaces lysine 329 with glutamic acid.
Molecular consequence: missense variant.
Genome position (GRCh38, 1-based): chr4:112,430,532, A>G. VCF-style: chr4-112430532-A-G. GRCh37 (hg19) VCF-style: chr4-113351688-A-G.
Other names: c.985A>G, p.Lys329Glu (NM_001102406.2); c.751A>G, p.Lys251Glu (NM_001253884.2); short protein forms K251E, K329E.
Identifiers: ClinVar variation 3718334 (VCV003718334.2).